The following is an entry in ClinVar:

ClinVar aggregate classification (germline): Uncertain significance (1 of 4 stars; one submission).

Conditions:
Inborn genetic diseases. Identifiers: MedGen C0950123, MeSH D030342.

Submission:

Ambry Genetics
Classification: Uncertain significance for Inborn genetic diseases. Last evaluated: 2025-12-07. Review status: criteria provided, single submitter. Criteria: Ambry Variant Classification Scheme 2023. Collection method: clinical testing. Allele origin: germline.
Comment: The p.K979N variant (also known as c.2937G>T), located in coding exon 13 of the MECOM gene, results from a G to T substitution at nucleotide position 2937. The lysine at codon 979 is replaced by asparagine, an amino acid with similar properties. This amino acid position is conserved. In addition, this alteration is predicted to be tolerated by in silico analysis. Based on the available evidence, the clinical significance of this variant remains unclear.

NM_004991.4(MECOM):c.2937G>T (p.Lys979Asn)

Gene: MECOM (MDS1 and EVI1 complex locus; minus strand). Cytogenetic location: 3q26.2.
Variant type: single nucleotide variant.
Coding change: c.2937G>T on transcript NM_004991.4 (MANE Select); coding-DNA position 2937, G replaced by T.
Protein change: p.Lys979Asn; replaces lysine 979 with asparagine.
Molecular consequence: missense variant.
Genome position (GRCh38, 1-based): chr3:169,095,158, C>A on the plus strand (G>T on the coding strand, the complement: MECOM is on the minus strand). VCF-style: chr3-169095158-C-A. GRCh37 (hg19) VCF-style: chr3-168812946-C-A.
Other names: c.2568G>T, p.Lys856Asn (NM_001105077.4); c.2373G>T, p.Lys791Asn (NM_001105078.4, NM_001205194.2, NM_001366469.2 and 1 more transcripts); c.2349G>T, p.Lys783Asn (NM_001163999.2, NM_001366470.2); c.2346G>T, p.Lys782Asn (NM_001164000.2, NM_001366471.2, NM_001366472.2); c.2910G>T, p.Lys970Asn (NM_001366466.2); c.2376G>T, p.Lys792Asn (NM_001366467.2, NM_001366468.2); c.1938G>T, p.Lys646Asn (NM_001366473.2); c.1374G>T, p.Lys458Asn (NM_001366474.2); short protein forms K458N, K782N, K646N, K783N, K791N, K970N, K979N, K792N.
Identifiers: ClinVar variation 4624738 (VCV004624738.1).